The following is an entry in ClinVar:

NC_000023.10:g.(?_132795738)_(132795898_?)dup

Gene: GPC3 (glypican 3; minus strand). Cytogenetic location: Xq26.2.
Variant type: Duplication.
Identifiers: ClinVar variation 3245635 (VCV003245635.1).

ClinVar aggregate classification (germline): Likely pathogenic (1 of 4 stars; one submission).

Conditions:
Wilms tumor 1 (WT1). Also called: Wilms tumor, somatic. Identifiers: Orphanet 654, MedGen CN033288, MONDO:0008679, OMIM 194070.

Submission:

Labcorp Genetics (formerly Invitae), Labcorp
Classification: Likely pathogenic for Wilms tumor 1. Last evaluated: 2018-06-19. Review status: criteria provided, single submitter. Criteria: Invitae Variant Classification Sherloc (09022015). Collection method: clinical testing. Allele origin: unknown.
Comment: In summary, the currently available evidence indicates that the variant is pathogenic, but additional data are needed to prove that conclusively. Therefore, this variant has been classified as Likely Pathogenic. Loss-of-function variants in GPC3 are known to be pathogenic (PMID: 12713262, 17603795). This variant has not been reported in the literature in individuals with GPC3-related disease. This variant results in a copy number gain of the genomic region encompassing exon 6 of the GPC3 gene. While the exact position of this variant cannot be determined from this data, sub-genic copy number gains are generally in tandem (PMID: 25640679) and may result in an absent or disrupted protein product.

Literature cited by the submitters: PubMed 12713262; PubMed 17603795; PubMed 25640679.